The following is an entry in ClinVar:

ClinVar aggregate classification (germline): Uncertain significance (1 of 4 stars; one submission).

Conditions:
Neutropenia, severe congenital, 2, autosomal dominant. Identifiers: Orphanet 486, MedGen C2751288, MONDO:0013139, OMIM 613107.

Submission:

Labcorp Genetics (formerly Invitae), Labcorp
Classification: Uncertain significance for Neutropenia, severe congenital, 2, autosomal dominant. Last evaluated: 2023-01-10. Review status: criteria provided, single submitter. Criteria: Invitae Variant Classification Sherloc (09022015). Collection method: clinical testing. Allele origin: germline.
Comment: This variant is not present in population databases (gnomAD no frequency). This sequence change creates a premature translational stop signal (p.Cys373*) in the GFI1 gene. While this is not anticipated to result in nonsense mediated decay, it is expected to disrupt the last 50 amino acid(s) of the GFI1 protein. This variant has not been reported in the literature in individuals affected with GFI1-related conditions. In summary, the available evidence is currently insufficient to determine the role of this variant in disease. Therefore, it has been classified as a Variant of Uncertain Significance. Experimental studies and prediction algorithms are not available or were not evaluated, and the functional significance of this variant is currently unknown.

NM_005263.5(GFI1):c.1119C>A (p.Cys373Ter)

Genes: GFI1 (growth factor independent 1 transcriptional repressor; minus strand), LOC129930930 (ATAC-STARR-seq lymphoblastoid active region 1314; plus strand). Cytogenetic location: 1p22.1.
Variant type: single nucleotide variant.
Coding change: c.1119C>A on transcript NM_005263.5 (MANE Select); coding-DNA position 1119, C replaced by A.
Protein change: p.Cys373Ter; replaces cysteine 373 with a stop codon.
Molecular consequence: nonsense.
Genome position (GRCh38, 1-based): chr1:92,476,179, G>T on the plus strand (C>A on the coding strand, the complement: GFI1 is on the minus strand). VCF-style: chr1-92476179-G-T. GRCh37 (hg19) VCF-style: chr1-92941736-G-T.
Other names: c.1119C>A, p.Cys373Ter (NM_001127215.3, NM_001127216.3); short protein forms C373*.
Identifiers: ClinVar variation 2827513 (VCV002827513.3), dbSNP rs780643435, ClinGen allele CA341147917.